The following is an entry in ClinVar:

ClinVar aggregate classification (germline): Uncertain significance (1 of 4 stars; one submission).

gnomAD v4.1: 1 of 1,614,098 alleles (0.000062%); no homozygotes.

Submission:

Labcorp Genetics (formerly Invitae), Labcorp
Classification: Uncertain significance. Last evaluated: 2022-08-22. Review status: criteria provided, single submitter. Criteria: Invitae Variant Classification Sherloc (09022015). Collection method: clinical testing. Allele origin: germline.
Comment: This variant has not been reported in the literature in individuals affected with C2CD3-related conditions. This variant is not present in population databases (gnomAD no frequency). This sequence change replaces glutamic acid, which is acidic and polar, with aspartic acid, which is acidic and polar, at codon 1620 of the C2CD3 protein (p.Glu1620Asp). In summary, the available evidence is currently insufficient to determine the role of this variant in disease. Therefore, it has been classified as a Variant of Uncertain Significance. Algorithms developed to predict the effect of missense changes on protein structure and function output the following: SIFT: "Tolerated"; PolyPhen-2: "Benign"; Align-GVGD: "Class C0". The aspartic acid amino acid residue is found in multiple mammalian species, which suggests that this missense change does not adversely affect protein function.

NM_001286577.2(C2CD3):c.4860A>C (p.Glu1620Asp)

Gene: C2CD3 (C2 domain containing 3 centriole elongation regulator; minus strand). Cytogenetic location: 11q13.4.
Variant type: single nucleotide variant.
Coding change: c.4860A>C on transcript NM_001286577.2 (MANE Select); coding-DNA position 4860, A replaced by C.
Protein change: p.Glu1620Asp; replaces glutamic acid 1620 with aspartic acid.
Molecular consequence: missense variant.
Genome position (GRCh38, 1-based): chr11:74,074,344, T>G on the plus strand (A>C on the coding strand, the complement: C2CD3 is on the minus strand). VCF-style: chr11-74074344-T-G. GRCh37 (hg19) VCF-style: chr11-73785389-T-G.
Other names: c.4860A>C, p.Glu1620Asp (NM_015531.6); short protein forms E1620D.
Identifiers: ClinVar variation 1717546 (VCV001717546.5), dbSNP rs1198702891, ClinGen allele CA381814572.